The following is an entry in ClinVar:

ClinVar aggregate classification (germline): Uncertain significance. Review status: criteria provided, multiple submitters, no conflicts (2 of 4 stars). 4 submissions from 4 submitters: Uncertain significance (4). Last evaluated 2026-03-16.

Conditions:
PLEC-related disorder. Also called: PLEC-related disorders; PLEC-related condition.
Epidermolysis bullosa simplex, Ogna type (EBS5A). Also called: Pidermolysis bullosa simplex 5A, Ogna type; EPIDERMOLYSIS BULLOSA SIMPLEX 5A, OGNA TYPE. Identifiers: Orphanet 79401, MedGen C0432317, MONDO:0007555, OMIM 131950.
Epidermolysis bullosa simplex 5B, with muscular dystrophy (EBS5B). Also called: Epidermolysis bullosa simplex with muscular dystrophy; EPIDERMOLYSIS BULLOSA SIMPLEX AND LIMB-GIRDLE MUSCULAR DYSTROPHY. Identifiers: Orphanet 257, MedGen C2931072, MONDO:0009181, OMIM 226670.
Epidermolysis bullosa simplex 5C, with pyloric atresia (EBS5C). Also called: PLEC-Related Epidermolysis Bullosa with Pyloric Atresia; Epidermolysis bullosa simplex with pyloric atresia; PLEC1-Related Epidermolysis Bullosa with Pyloric Atresia. Identifiers: Orphanet 158684, MedGen C2677349, MONDO:0012807, OMIM 612138.
Epidermolysis bullosa simplex with nail dystrophy (EBS5D). Identifiers: MedGen C4225309, MONDO:0014661, OMIM 616487.
Autosomal recessive limb-girdle muscular dystrophy type 2Q (LGMDR17). Also called: MUSCULAR DYSTROPHY, LIMB-GIRDLE, AUTOSOMAL RECESSIVE 17. Identifiers: Orphanet 254361, MedGen C3150989, MONDO:0013390, OMIM 613723.
Inborn genetic diseases. Identifiers: MedGen C0950123, MeSH D030342.

gnomAD v4.1: 11 of 1,602,550 alleles (0.00069%); highest among the groups gnomAD compares: Non-Finnish European, 0.00093%; no homozygotes.

Submissions (4):

PreventionGenetics, part of Exact Sciences
Classification: Uncertain significance for PLEC-related condition. Last evaluated: 2026-03-16. Review status: criteria provided, single submitter. Criteria: ACMG Guidelines, 2015. Collection method: clinical testing. Allele origin: germline.
Comment: The PLEC c.3217G>C variant is predicted to result in the amino acid substitution p.Glu1073Gln. To our knowledge, this variant has not been reported in the literature or in a large population database (gnomAD), indicating this variant is rare. At this time, the clinical significance of this variant is uncertain due to the absence of conclusive functional and genetic evidence.

Labcorp Genetics (formerly Invitae), Labcorp
Classification: Uncertain significance for Autosomal recessive limb-girdle muscular dystrophy type 2Q; Epidermolysis bullosa simplex, Ogna type; Epidermolysis bullosa simplex with nail dystrophy; Epidermolysis bullosa simplex 5C, with pyloric atresia; Epidermolysis bullosa simplex 5B, with muscular dystrophy. Last evaluated: 2025-10-28. Review status: criteria provided, single submitter. Criteria: Invitae Variant Classification Sherloc (09022015). Collection method: clinical testing. Allele origin: germline.
Comment: This sequence change replaces glutamic acid, which is acidic and polar, with glutamine, which is neutral and polar, at codon 1073 of the PLEC protein (p.Glu1073Gln). This variant is not present in population databases (gnomAD no frequency). This variant has not been reported in the literature in individuals affected with PLEC-related conditions. ClinVar contains an entry for this variant (Variation ID: 2689785). Invitae Evidence Modeling of protein sequence and biophysical properties (such as structural, functional, and spatial information, amino acid conservation, physicochemical variation, residue mobility, and thermodynamic stability) indicates that this missense variant is not expected to disrupt PLEC protein function with a negative predictive value of 80%. In summary, the available evidence is currently insufficient to determine the role of this variant in disease. Therefore, it has been classified as a Variant of Uncertain Significance.

Ambry Genetics
Classification: Uncertain significance for Inborn genetic diseases. Last evaluated: 2025-08-07. Review status: criteria provided, single submitter. Criteria: Ambry Variant Classification Scheme 2023. Collection method: clinical testing. Allele origin: germline.

Revvity Omics, Revvity
Classification: Uncertain significance. Last evaluated: 2023-06-06. Review status: criteria provided, single submitter. Criteria: ACMG Guidelines, 2015. Collection method: clinical testing. Allele origin: germline.

NM_201384.3(PLEC):c.3136G>C (p.Glu1046Gln)

Gene: PLEC (plectin; minus strand). Cytogenetic location: 8q24.3.
Variant type: single nucleotide variant.
Coding change: c.3136G>C on transcript NM_201384.3 (MANE Select); coding-DNA position 3136, G replaced by C.
Protein change: p.Glu1046Gln; replaces glutamic acid 1046 with glutamine.
Molecular consequence: missense variant.
Genome position (GRCh38, 1-based): chr8:143,929,227, C>G on the plus strand (G>C on the coding strand, the complement: PLEC is on the minus strand). VCF-style: chr8-143929227-C-G. GRCh37 (hg19) VCF-style: chr8-145003395-C-G.
Other names: c.3217G>C (NM_000445.4, NM_000445.3); c.3217G>C, p.Glu1073Gln (NM_000445.5, NM_001410941.1); c.3094G>C, p.Glu1032Gln (NM_201378.4); c.3070G>C, p.Glu1024Gln (NM_201379.3); c.3547G>C, p.Glu1183Gln (NM_201380.4); c.3040G>C, p.Glu1014Gln (NM_201381.3); c.3136G>C, p.Glu1046Gln (NM_201382.4); c.3148G>C, p.Glu1050Gln (NM_201383.3); short protein forms E1014Q, E1024Q, E1032Q, E1046Q, E1050Q, E1073Q, E1183Q.
Identifiers: ClinVar variation 2689785 (VCV002689785.6), dbSNP rs781823745, ClinGen allele CA372568982.